The following is an entry in ClinVar:

NM_012338.4(TSPAN12):c.543C>A (p.Cys181Ter)

Gene: TSPAN12 (tetraspanin 12; minus strand). Cytogenetic location: 7q31.31.
Variant type: single nucleotide variant.
Coding change: c.543C>A on transcript NM_012338.4 (MANE Select); coding-DNA position 543, C replaced by A.
Protein change: p.Cys181Ter; replaces cysteine 181 with a stop codon.
Molecular consequence: nonsense.
Genome position (GRCh38, 1-based): chr7:120,806,618, G>T on the plus strand (C>A on the coding strand, the complement: TSPAN12 is on the minus strand). VCF-style: chr7-120806618-G-T. GRCh37 (hg19) VCF-style: chr7-120446672-G-T.
Other names: short protein forms C181*.
Identifiers: ClinVar variation 1457167 (VCV001457167.6), dbSNP rs2116348290, ClinGen allele CA369136252.

ClinVar aggregate classification (germline): Pathogenic (1 of 4 stars; one submission).

Allele frequency attached by ClinVar (database versions not stated): gnomAD exomes 0.00001.
gnomAD v4.1: 10 of 1,613,534 alleles (0.00062%); highest among the groups gnomAD compares: Non-Finnish European, 0.00085%; no homozygotes.

Submission:

Labcorp Genetics (formerly Invitae), Labcorp
Classification: Pathogenic. Last evaluated: 2024-05-06. Review status: criteria provided, single submitter. Criteria: Invitae Variant Classification Sherloc (09022015). Collection method: clinical testing. Allele origin: germline.
Comment: This sequence change creates a premature translational stop signal (p.Cys181*) in the TSPAN12 gene. It is expected to result in an absent or disrupted protein product. Loss-of-function variants in TSPAN12 are known to be pathogenic (PMID: 20159112, 21334594). This variant is not present in population databases (gnomAD no frequency). This variant has not been reported in the literature in individuals affected with TSPAN12-related conditions. ClinVar contains an entry for this variant (Variation ID: 1457167). For these reasons, this variant has been classified as Pathogenic.

Literature cited by the submitters: PubMed 20159112; PubMed 21334594.